The following is an entry in ClinVar:

NM_001323289.2(CDKL5):c.413C>T (p.Pro138Leu)

Gene: CDKL5 (cyclin dependent kinase like 5; plus strand). Cytogenetic location: Xp22.13.
Variant type: single nucleotide variant.
Coding change: c.413C>T on transcript NM_001323289.2 (MANE Select); coding-DNA position 413, C replaced by T.
Protein change: p.Pro138Leu; replaces proline 138 with leucine.
Molecular consequence: missense variant.
Genome position (GRCh38, 1-based): chrX:18,581,900, C>T. VCF-style: chrX-18581900-C-T. GRCh37 (hg19) VCF-style: chrX-18600020-C-T.
Other names: p.P138L:CCA>CTA; c.413C>T, p.Pro138Leu (NM_001037343.2, NM_003159.3); short protein forms P138L.
Identifiers: ClinVar variation 156600 (VCV000156600.37), dbSNP rs587783081, ClinGen allele CA294597.

ClinVar aggregate classification (germline): Pathogenic. Review status: criteria provided, multiple submitters, no conflicts (2 of 4 stars). 2 submissions from 2 submitters: Pathogenic (2). Last evaluated 2021-07-01.

Submissions (2):

CeGaT Center for Human Genetics Tuebingen
Classification: Pathogenic. Last evaluated: 2021-07-01. Review status: criteria provided, single submitter. Criteria: CeGaT Center For Human Genetics Tuebingen Variant Classification Criteria Version 2. Collection method: clinical testing. Allele origin: germline. Affected: yes. Observed: 1 variant allele.

GeneDx
Classification: Pathogenic. Last evaluated: 2013-05-03. Review status: criteria provided, single submitter. Criteria: GeneDx Variant Classification (06012015). Collection method: clinical testing. Allele origin: germline. Affected: yes.
Comment: The Pro138Leu missense change has not been published as a mutation, nor has it been reported as a benign polymorphism to our knowledge. It was not observed in approximately 5,300 individuals of European and African American ancestry in the NHLBI Exome Sequencing Project, indicating it is not a common benign variant in these populations. Although Proline and Leucine are both uncharged, non-polar amino acids, the loss of a bulky Proline residue may affect the secondary structure of the protein. It alters a highly conserved position in the S/T kinase active site in the catalytic domain of the protein (Kilstrup-Nielsen et al., 2012), and multiple in silico algorithms predict Pro138Leu may be damaging to protein structure/function. This variant has been observed de novo without verified parentage. The variant is found in INFANT-EPI panel(s).